The following is an entry in ClinVar:

NM_002582.4(PARN):c.434A>C (p.Gln145Pro)

Gene: PARN (poly(A)-specific ribonuclease; minus strand). Cytogenetic location: 16p13.12.
Variant type: single nucleotide variant.
Coding change: c.434A>C on transcript NM_002582.4 (MANE Select); coding-DNA position 434, A replaced by C.
Protein change: p.Gln145Pro; replaces glutamine 145 with proline.
Molecular consequence: missense variant.
Genome position (GRCh38, 1-based): chr16:14,610,764, T>G on the plus strand (A>C on the coding strand, the complement: PARN is on the minus strand). VCF-style: chr16-14610764-T-G. GRCh37 (hg19) VCF-style: chr16-14704621-T-G.
Other names: c.251A>C, p.Gln84Pro (NM_001134477.3); c.296A>C, p.Gln99Pro (NM_001242992.2); short protein forms Q145P, Q99P, Q84P.
Identifiers: ClinVar variation 859599 (VCV000859599.10), dbSNP rs1195236338, ClinGen allele CA394811134.

ClinVar aggregate classification (germline): Uncertain significance (1 of 4 stars; one submission).

Conditions:
Dyskeratosis congenita, autosomal recessive 6 (DKCB6). Identifiers: MedGen C4225356, MONDO:0014600, OMIM 616353.
Pulmonary fibrosis and/or bone marrow failure, Telomere-related, 4. Also called: PULMONARY FIBROSIS AND/OR BONE MARROW FAILURE SYNDROME, TELOMERE-RELATED, 4. Identifiers: Orphanet 2032, MedGen C4225347, MONDO:0014612, OMIM 616371.

Submission:

Labcorp Genetics (formerly Invitae), Labcorp
Classification: Uncertain significance for Dyskeratosis congenita, autosomal recessive 6; Pulmonary fibrosis and/or bone marrow failure, Telomere-related, 4. Last evaluated: 2019-12-03. Review status: criteria provided, single submitter. Criteria: Invitae Variant Classification Sherloc (09022015). Collection method: clinical testing. Allele origin: germline.
Comment: This variant has not been reported in the literature in individuals with PARN-related conditions. Algorithms developed to predict the effect of missense changes on protein structure and function are either unavailable or do not agree on the potential impact of this missense change (SIFT: "Deleterious"; PolyPhen-2: "Possibly Damaging"; Align-GVGD: "Class C0"). In summary, the available evidence is currently insufficient to determine the role of this variant in disease. Therefore, it has been classified as a Variant of Uncertain Significance. This variant is not present in population databases (ExAC no frequency). This sequence change replaces glutamine with proline at codon 145 of the PARN protein (p.Gln145Pro). The glutamine residue is highly conserved and there is a moderate physicochemical difference between glutamine and proline.